The following is an entry in ClinVar:

ClinVar aggregate classification (germline): Uncertain significance. Review status: criteria provided, multiple submitters, no conflicts (2 of 4 stars). 2 submissions from 2 submitters: Uncertain significance (2). Last evaluated 2025-08-10.

Conditions:
Early-onset Lafora body disease. Also called: Epilepsy, progressive myoclonic, 10. Identifiers: Orphanet 324290, MedGen C4225258, MONDO:0014717, OMIM 616640.

Allele frequency attached by ClinVar (database versions not stated): gnomAD exomes below 0.00001; TOPMed below 0.00001.
gnomAD v4.1: 4 of 1,352,294 alleles (0.0003%); highest among the groups gnomAD compares: Admixed American, 0.004%; no homozygotes.

Submissions (2):

Ambry Genetics
Classification: Uncertain significance. Last evaluated: 2025-08-10. Review status: criteria provided, single submitter. Criteria: Ambry Variant Classification Scheme 2023. Collection method: clinical testing. Allele origin: germline.

Labcorp Genetics (formerly Invitae), Labcorp
Classification: Uncertain significance for Early-onset Lafora body disease. Last evaluated: 2021-07-08. Review status: criteria provided, single submitter. Criteria: Invitae Variant Classification Sherloc (09022015). Collection method: clinical testing. Allele origin: germline.
Comment: In summary, the available evidence is currently insufficient to determine the role of this variant in disease. Therefore, it has been classified as a Variant of Uncertain Significance. Algorithms developed to predict the effect of missense changes on protein structure and function (SIFT, PolyPhen-2, Align-GVGD) all suggest that this variant is likely to be tolerated. This variant has not been reported in the literature in individuals affected with PRDM8-related conditions. The frequency data for this variant in the population databases is considered unreliable, as metrics indicate insufficient coverage at this position in the ExAC database. This sequence change replaces glycine with aspartic acid at codon 485 of the PRDM8 protein (p.Gly485Asp). The glycine residue is weakly conserved and there is a moderate physicochemical difference between glycine and aspartic acid.

NM_001099403.2(PRDM8):c.1454G>A (p.Gly485Asp)

Gene: PRDM8 (PR/SET domain 8; plus strand). Cytogenetic location: 4q21.21.
Variant type: single nucleotide variant.
Coding change: c.1454G>A on transcript NM_001099403.2 (MANE Select); coding-DNA position 1454, G replaced by A.
Protein change: p.Gly485Asp; replaces glycine 485 with aspartic acid.
Molecular consequence: missense variant.
Genome position (GRCh38, 1-based): chr4:80,202,916, G>A. VCF-style: chr4-80202916-G-A. GRCh37 (hg19) VCF-style: chr4-81124070-G-A.
Other names: c.1454G>A, p.Gly485Asp (NM_020226.4); c.1454G>A (NM_020226.3); short protein forms G485D.
Identifiers: ClinVar variation 1361680 (VCV001361680.9), dbSNP rs1441323262, ClinGen allele CA357400849.